The following is an entry in ClinVar:

ClinVar aggregate classification (germline): Conflicting classifications of pathogenicity. Review status: criteria provided, conflicting classifications (1 of 4 stars). 7 submissions from 7 submitters: Uncertain significance (5); Likely benign (1). 1 of the submissions does not count toward it. Last evaluated 2025-10-01.

Conditions:
Ataxia-telangiectasia syndrome (AT). Also called: Ataxia telangiectasia (A-T); Ataxia-telangiectasia, complementation group E; LOUIS-BAR SYNDROME; Cerebello-oculocutaneous telangiectasia; Immunodeficiency with ataxia telangiectasia; Ataxia-telangiectasia, complementation group D. Identifiers: Orphanet 100, MedGen C0004135, MONDO:0008840, OMIM 208900.
Hereditary cancer-predisposing syndrome. Also called: Hereditary Cancer Syndrome; Neoplastic Syndromes, Hereditary; Tumor predisposition; Hereditary neoplastic syndrome. Identifiers: Orphanet 140162, MedGen C0027672, MeSH D009386, MONDO:0015356.

Submissions (7):

Labcorp Genetics (formerly Invitae), Labcorp
Classification: Uncertain significance for Ataxia-telangiectasia syndrome. Last evaluated: 2025-10-01. Review status: criteria provided, single submitter. Criteria: Invitae Variant Classification Sherloc (09022015). Collection method: clinical testing. Allele origin: germline.
Comment: This sequence change replaces histidine, which is basic and polar, with arginine, which is basic and polar, at codon 996 of the ATM protein (p.His996Arg). This variant is not present in population databases (gnomAD no frequency). This variant has not been reported in the literature in individuals affected with ATM-related conditions. ClinVar contains an entry for this variant (Variation ID: 232862). Invitae Evidence Modeling of protein sequence and biophysical properties (such as structural, functional, and spatial information, amino acid conservation, physicochemical variation, residue mobility, and thermodynamic stability) indicates that this missense variant is not expected to disrupt ATM protein function with a negative predictive value of 95%. In summary, the available evidence is currently insufficient to determine the role of this variant in disease. Therefore, it has been classified as a Variant of Uncertain Significance.

Ambry Genetics
Classification: Likely benign for Hereditary cancer-predisposing syndrome. Last evaluated: 2025-05-14. Review status: criteria provided, single submitter. Criteria: Ambry Variant Classification Scheme 2023. Collection method: clinical testing. Allele origin: germline.

GeneDx
Classification: Uncertain significance. Last evaluated: 2024-04-30. Review status: criteria provided, single submitter. Criteria: GeneDx Variant Classification Process June 2021. Collection method: clinical testing. Allele origin: germline. Affected: yes.
Comment: Not observed at significant frequency in large population cohorts (gnomAD); In silico analysis indicates that this missense variant does not alter protein structure/function; Has not been previously published as pathogenic or benign to our knowledge; This variant is associated with the following publications: (PMID: 19781682, 29144541)

Women's Health and Genetics/Laboratory Corporation of America, LabCorp
Classification: Uncertain significance. Last evaluated: 2022-10-21. Review status: criteria provided, single submitter. Criteria: LabCorp Variant Classification Summary - May 2015. Collection method: clinical testing. Allele origin: germline.
Comment: Variant summary: ATM c.2987A>G (p.His996Arg) results in a non-conservative amino acid change in the encoded protein sequence. Four of five in-silico tools predict a benign effect of the variant on protein function. The variant was absent in 251390 control chromosomes. The available data on variant occurrences in the general population are insufficient to allow any conclusion about variant significance. c.2987A>G has been reported in the literature as somatic occurrence in individual(s) affected with Papillary Thyroid Carcinoma (Liang_2017). This report does not provide unequivocal conclusions about association of the variant with Ataxia-Telangiectasia. To our knowledge, no experimental evidence demonstrating an impact on protein function has been reported. Five clinical diagnostic laboratories have submitted clinical-significance assessments for this variant to ClinVar after 2014 and classified the variant as uncertain significance. Based on the evidence outlined above, the variant was classified as uncertain significance.

Athena Diagnostics
Classification: Uncertain significance. Last evaluated: 2021-05-07. Review status: criteria provided, single submitter. Criteria: Athena Diagnostics criteria. Collection method: clinical testing. Allele origin: unknown.

Color Diagnostics, LLC DBA Color Health
Classification: Uncertain significance for Hereditary cancer-predisposing syndrome. Last evaluated: 2019-01-26. Review status: criteria provided, single submitter. Criteria: ACMG Guidelines, 2015. Collection method: clinical testing. Allele origin: germline.

Natera, Inc.
Classification: Uncertain significance for Ataxia-telangiectasia. Last evaluated: 2020-01-24. Review status: no assertion criteria provided. Collection method: clinical testing. Allele origin: germline. Not counted in ClinVar's aggregate classification.

Literature cited by the submitters: PubMed 29144541 (cited by Women's Health and Genetics/Laboratory Corporation of America, LabCorp).

NM_000051.4(ATM):c.2987A>G (p.His996Arg)

Gene: ATM (ATM serine/threonine kinase; plus strand). Cytogenetic location: 11q22.3.
Variant type: single nucleotide variant.
Coding change: c.2987A>G on transcript NM_000051.4 (MANE Select); coding-DNA position 2987, A replaced by G.
Protein change: p.His996Arg; replaces histidine 996 with arginine.
Molecular consequence: missense variant.
Genome position (GRCh38, 1-based): chr11:108,271,316, A>G. VCF-style: chr11-108271316-A-G. GRCh37 (hg19) VCF-style: chr11-108142043-A-G.
Other names: c.2987A>G, p.His996Arg (NM_001351834.2); short protein forms H996R.
Identifiers: ClinVar variation 232862 (VCV000232862.18), dbSNP rs876660034, ClinGen allele CA10579078.